The following is an entry in ClinVar:

ClinVar aggregate classification (germline): Uncertain significance. Review status: criteria provided, multiple submitters, no conflicts (2 of 4 stars). 2 submissions from 2 submitters: Uncertain significance (2). Last evaluated 2024-02-17.

Conditions:
Long QT syndrome (LQTS). Identifiers: MedGen C0023976, MeSH D008133, MONDO:0002442. Disease mechanism: loss of function. Inheritance: Various modes of inheritance.

Allele frequency attached by ClinVar (database versions not stated): gnomAD exomes below 0.00001.
gnomAD v4.1: 1 of 1,614,046 alleles (0.000062%); highest among the groups gnomAD compares: Non-Finnish European, 0.000085%; no homozygotes.

Submissions (2):

Labcorp Genetics (formerly Invitae), Labcorp
Classification: Uncertain significance for Long QT syndrome. Last evaluated: 2024-02-17. Review status: criteria provided, single submitter. Criteria: Invitae Variant Classification Sherloc (09022015). Collection method: clinical testing. Allele origin: germline.
Comment: This sequence change replaces threonine, which is neutral and polar, with asparagine, which is neutral and polar, at codon 127 of the CAV3 protein (p.Thr127Asn). This variant is not present in population databases (gnomAD no frequency). This missense change has been observed in individual(s) with centronuclear myopathy (PMID: 27854218). ClinVar contains an entry for this variant (Variation ID: 224684). An algorithm developed to predict the effect of missense changes on protein structure and function (PolyPhen-2) suggests that this variant is likely to be disruptive. In summary, the available evidence is currently insufficient to determine the role of this variant in disease. Therefore, it has been classified as a Variant of Uncertain Significance.

Center for Genetic Medicine Research, Children's National Medical Center
Classification: Uncertain significance. Last evaluated: 2015-12-01. Review status: criteria provided, single submitter. Criteria: Punetha et al. (J Neuromuscul Dis. 2016). Collection method: research. Allele origin: unknown.

Literature cited by the submitters: PubMed 27854218 (cited by Labcorp Genetics (formerly Invitae), Labcorp).

NM_033337.3(CAV3):c.380C>A (p.Thr127Asn)

Genes: CAV3 (caveolin 3; plus strand), OXTR (oxytocin receptor; minus strand). Cytogenetic location: 3p25.3.
Variant type: single nucleotide variant.
Coding change: c.380C>A on transcript NM_033337.3 (MANE Select); coding-DNA position 380, C replaced by A.
Protein change: p.Thr127Asn; replaces threonine 127 with asparagine.
Molecular consequence: missense variant.
Genome position (GRCh38, 1-based): chr3:8,745,791, C>A. VCF-style: chr3-8745791-C-A. GRCh37 (hg19) VCF-style: chr3-8787477-C-A.
Other names: c.380C>A, p.Thr127Asn (NM_001234.5); short protein forms T127N.
Identifiers: ClinVar variation 224684 (VCV000224684.7), dbSNP rs878854385, ClinGen allele CA10575975.